The following is an entry in ClinVar:

ClinVar aggregate classification (germline): Uncertain significance (1 of 4 stars; one submission).

Conditions:
Adams-Oliver syndrome 5 (AOS5). Identifiers: Orphanet 974, MedGen C4014970, MONDO:0014459, OMIM 616028.

Submission:

Labcorp Genetics (formerly Invitae), Labcorp
Classification: Uncertain significance for Adams-Oliver syndrome 5. Last evaluated: 2025-11-08. Review status: criteria provided, single submitter. Criteria: Invitae Variant Classification Sherloc (09022015). Collection method: clinical testing. Allele origin: germline.
Comment: This sequence change replaces isoleucine, which is neutral and non-polar, with asparagine, which is neutral and polar, at codon 946 of the NOTCH1 protein (p.Ile946Asn). This variant is not present in population databases (gnomAD no frequency). This variant has not been reported in the literature in individuals affected with NOTCH1-related conditions. Invitae Evidence Modeling of protein sequence and biophysical properties (such as structural, functional, and spatial information, amino acid conservation, physicochemical variation, residue mobility, and thermodynamic stability) indicates that this missense variant is not expected to disrupt NOTCH1 protein function with a negative predictive value of 80%. In summary, the available evidence is currently insufficient to determine the role of this variant in disease. Therefore, it has been classified as a Variant of Uncertain Significance.

NM_017617.5(NOTCH1):c.2837T>A (p.Ile946Asn)

Gene: NOTCH1 (notch receptor 1; minus strand). Cytogenetic location: 9q34.3.
Variant type: single nucleotide variant.
Coding change: c.2837T>A on transcript NM_017617.5 (MANE Select); coding-DNA position 2837, T replaced by A.
Protein change: p.Ile946Asn; replaces isoleucine 946 with asparagine.
Molecular consequence: missense variant.
Genome position (GRCh38, 1-based): chr9:136,509,865, A>T on the plus strand (T>A on the coding strand, the complement: NOTCH1 is on the minus strand). VCF-style: chr9-136509865-A-T. GRCh37 (hg19) VCF-style: chr9-139404317-A-T.
Other names: short protein forms I946N.
Identifiers: ClinVar variation 4744403 (VCV004744403.1).